The following is an entry in ClinVar:

ClinVar aggregate classification (germline): Conflicting classifications of pathogenicity. Review status: criteria provided, conflicting classifications (1 of 4 stars). 3 submissions from 3 submitters: Uncertain significance (2); Likely benign (1). Last evaluated 2025-09-15.

Conditions:
Epidermolysis bullosa simplex 5B, with muscular dystrophy (EBS5B). Also called: Epidermolysis bullosa simplex with muscular dystrophy; EPIDERMOLYSIS BULLOSA SIMPLEX AND LIMB-GIRDLE MUSCULAR DYSTROPHY. Identifiers: Orphanet 257, MedGen C2931072, MONDO:0009181, OMIM 226670.
Epidermolysis bullosa simplex, Ogna type (EBS5A). Also called: Pidermolysis bullosa simplex 5A, Ogna type; EPIDERMOLYSIS BULLOSA SIMPLEX 5A, OGNA TYPE. Identifiers: Orphanet 79401, MedGen C0432317, MONDO:0007555, OMIM 131950.
Epidermolysis bullosa simplex with nail dystrophy (EBS5D). Identifiers: MedGen C4225309, MONDO:0014661, OMIM 616487.
Autosomal recessive limb-girdle muscular dystrophy type 2Q (LGMDR17). Also called: MUSCULAR DYSTROPHY, LIMB-GIRDLE, AUTOSOMAL RECESSIVE 17. Identifiers: Orphanet 254361, MedGen C3150989, MONDO:0013390, OMIM 613723.
Epidermolysis bullosa simplex 5C, with pyloric atresia (EBS5C). Also called: PLEC-Related Epidermolysis Bullosa with Pyloric Atresia; Epidermolysis bullosa simplex with pyloric atresia; PLEC1-Related Epidermolysis Bullosa with Pyloric Atresia. Identifiers: Orphanet 158684, MedGen C2677349, MONDO:0012807, OMIM 612138.
Inborn genetic diseases. Identifiers: MedGen C0950123, MeSH D030342.

Allele frequency attached by ClinVar (database versions not stated): ExAC 0.00002; gnomAD exomes 0.00003 and 0.00004; gnomAD 0.00011 and 0.00012; TOPMed 0.00011; 1000 Genomes Project 30x 0.00016; 1000 Genomes Project 0.00020.

Submissions (3):

Labcorp Genetics (formerly Invitae), Labcorp
Classification: Uncertain significance for Autosomal recessive limb-girdle muscular dystrophy type 2Q; Epidermolysis bullosa simplex, Ogna type; Epidermolysis bullosa simplex with nail dystrophy; Epidermolysis bullosa simplex 5C, with pyloric atresia; Epidermolysis bullosa simplex 5B, with muscular dystrophy. Last evaluated: 2025-09-15. Review status: criteria provided, single submitter. Criteria: Invitae Variant Classification Sherloc (09022015). Collection method: clinical testing. Allele origin: germline.
Comment: This sequence change replaces arginine, which is basic and polar, with glutamine, which is neutral and polar, at codon 3225 of the PLEC protein (p.Arg3225Gln). This variant is present in population databases (rs559417477, gnomAD 0.04%). This variant has not been reported in the literature in individuals affected with PLEC-related conditions. ClinVar contains an entry for this variant (Variation ID: 592906). An algorithm developed to predict the effect of missense changes on protein structure and function outputs the following: PolyPhen-2: "Benign". The glutamine amino acid residue is found in multiple mammalian species, which suggests that this missense change does not adversely affect protein function. In summary, the available evidence is currently insufficient to determine the role of this variant in disease. Therefore, it has been classified as a Variant of Uncertain Significance.

Ambry Genetics
Classification: Likely benign for Inborn genetic diseases. Last evaluated: 2022-06-28. Review status: criteria provided, single submitter. Criteria: Ambry Variant Classification Scheme 2023. Collection method: clinical testing. Allele origin: germline.

Eurofins Ntd Llc (ga)
Classification: Uncertain significance. Last evaluated: 2017-09-22. Review status: criteria provided, single submitter. Criteria: EGL Classification Definitions 2015. Collection method: clinical testing. Allele origin: germline. Observed: 1 variant allele, 1 heterozygote.

NM_201384.3(PLEC):c.9593G>A (p.Arg3198Gln)

Gene: PLEC (plectin; minus strand). Cytogenetic location: 8q24.3.
Variant type: single nucleotide variant.
Coding change: c.9593G>A on transcript NM_201384.3 (MANE Select); coding-DNA position 9593, G replaced by A.
Protein change: p.Arg3198Gln; replaces arginine 3198 with glutamine.
Molecular consequence: missense variant.
Genome position (GRCh38, 1-based): chr8:143,920,228, C>T on the plus strand (G>A on the coding strand, the complement: PLEC is on the minus strand). VCF-style: chr8-143920228-C-T. GRCh37 (hg19) VCF-style: chr8-144994396-C-T.
Other names: c.9674G>A (NM_000445.3); c.9674G>A, p.Arg3225Gln (NM_000445.5); c.9551G>A, p.Arg3184Gln (NM_201378.4); c.9527G>A, p.Arg3176Gln (NM_201379.3); c.10004G>A, p.Arg3335Gln (NM_201380.4); c.9497G>A, p.Arg3166Gln (NM_201381.3); c.9593G>A, p.Arg3198Gln (NM_201382.4); c.9605G>A, p.Arg3202Gln (NM_201383.3); short protein forms R3225Q, R3166Q, R3184Q, R3176Q, R3335Q, R3198Q, R3202Q.
Identifiers: ClinVar variation 592906 (VCV000592906.11), dbSNP rs559417477, ClinGen allele CA4924919.